The following is an entry in ClinVar:

NC_000023.11:g.(?_22219036)_(22247953_?)del

Gene: PHEX (phosphate regulating endopeptidase X-linked; plus strand). Cytogenetic location: Xp22.11.
Variant type: Deletion.
Identifiers: ClinVar variation 832049 (VCV000832049.6).

ClinVar aggregate classification (germline): Pathogenic (1 of 4 stars; one submission).

Submission:

Labcorp Genetics (formerly Invitae), Labcorp
Classification: Pathogenic. Last evaluated: 2021-08-12. Review status: criteria provided, single submitter. Criteria: Invitae Variant Classification Sherloc (09022015). Collection method: clinical testing. Allele origin: germline.
Comment: This variant is a gross deletion of the genomic region encompassing exon(s) 17-22 of the PHEX gene, which includes the termination codon. This deletion extends beyond the assayed region for this gene and therefore may encompass additional genes. While this deletion is not anticipated to lead to nonsense mediated decay, it is expected to alter mRNA translation or result in a truncated protein product. A similar copy number variant has been observed in individual(s) with hypophosphatemia (PMID: 9199930). The region of the PHEX gene that includes exon(s) 21-22 has been determined to be clinically significant (PMID: 19513579; Invitae). Therefore, deletions that encompass that region are likely to be disease-causing. For these reasons, this variant has been classified as Pathogenic.

Literature cited by the submitters: PubMed 9199930; PubMed 19513579.